The following is an entry in ClinVar:

NM_000465.4(BARD1):c.1571A>G (p.Asn524Ser)

Gene: BARD1 (BRCA1 associated RING domain 1; minus strand). Cytogenetic location: 2q35.
Variant type: single nucleotide variant.
Coding change: c.1571A>G on transcript NM_000465.4 (MANE Select); coding-DNA position 1571, A replaced by G.
Protein change: p.Asn524Ser; replaces asparagine 524 with serine.
Molecular consequence: missense variant. On other transcripts: non-coding transcript variant (3), intron variant (1).
Genome position (GRCh38, 1-based): chr2:214,752,553, T>C on the plus strand (A>G on the coding strand, the complement: BARD1 is on the minus strand). VCF-style: chr2-214752553-T-C. GRCh37 (hg19) VCF-style: chr2-215617277-T-C.
Other names: p.N524S:AAT>AGT; c.1514A>G, p.Asn505Ser (NM_001282543.2); c.218A>G, p.Asn73Ser (NM_001282545.2); c.161A>G, p.Asn54Ser (NM_001282548.2); c.365-22045A>G (NM_001282549.2); short protein forms N524S, N73S, N505S, N54S.
Identifiers: ClinVar variation 141624 (VCV000141624.22), dbSNP rs587781887, ClinGen allele CA294177.

ClinVar aggregate classification (germline): Uncertain significance. Review status: criteria provided, multiple submitters, no conflicts (2 of 4 stars). 7 submissions from 7 submitters: Uncertain significance (7). Last evaluated 2025-12-24.

Conditions:
Hereditary cancer-predisposing syndrome. Also called: Neoplastic Syndromes, Hereditary; Tumor predisposition; Hereditary Cancer Syndrome; Hereditary neoplastic syndrome. Identifiers: Orphanet 140162, MedGen C0027672, MeSH D009386, MONDO:0015356.
Familial cancer of breast. Also called: BREAST CANCER, FAMILIAL; Hereditary breast cancer; hereditary breast carcinoma. Identifiers: Orphanet 227535, MedGen C0346153, MONDO:0016419, OMIM 114480. Disease mechanism: loss of function.

Allele frequency attached by ClinVar (database versions not stated): gnomAD exomes below 0.00001; ExAC 0.00001; gnomAD 0.00001; TOPMed 0.00001.
gnomAD v4.1: 6 of 1,611,276 alleles (0.00037%); highest among the groups gnomAD compares: African/African-American, 0.0013%; no homozygotes.

Submissions (7):

Labcorp Genetics (formerly Invitae), Labcorp
Classification: Uncertain significance for Familial cancer of breast. Last evaluated: 2025-12-24. Review status: criteria provided, single submitter. Criteria: Invitae Variant Classification Sherloc (09022015). Collection method: clinical testing. Allele origin: germline.
Comment: This sequence change replaces asparagine, which is neutral and polar, with serine, which is neutral and polar, at codon 524 of the BARD1 protein (p.Asn524Ser). This variant is present in population databases (rs587781887, gnomAD 0.004%). This variant has not been reported in the literature in individuals affected with BARD1-related conditions. ClinVar contains an entry for this variant (Variation ID: 141624). An algorithm developed to predict the effect of missense changes on protein structure and function (PolyPhen-2) suggests that this variant is likely to be disruptive. RNA analysis performed to evaluate the impact of this missense change on mRNA splicing indicates it does not significantly alter splicing (internal data). In summary, the available evidence is currently insufficient to determine the role of this variant in disease. Therefore, it has been classified as a Variant of Uncertain Significance.

GeneDx
Classification: Uncertain significance. Last evaluated: 2025-07-08. Review status: criteria provided, single submitter. Criteria: GeneDx Variant Classification Process June 2021. Collection method: clinical testing. Allele origin: germline. Affected: yes.
Comment: Observed in an individual with a personal and/or family history of breast and/or ovarian cancer (PMID: 27153395); Not observed at significant frequency in large population cohorts (gnomAD); In silico analysis supports that this missense variant has a deleterious effect on protein structure/function; In silico analysis supports a deleterious effect on splicing; This variant is associated with the following publications: (PMID: 18480049, 31036035, 27153395)

Color Diagnostics, LLC DBA Color Health
Classification: Uncertain significance for Hereditary cancer-predisposing syndrome. Last evaluated: 2024-01-29. Review status: criteria provided, single submitter. Criteria: ACMG Guidelines, 2015. Collection method: clinical testing. Allele origin: germline.
Comment: This missense variant replaces asparagine with serine at codon 524 of the BARD1 protein. Computational prediction is inconclusive regarding the impact of this variant on protein structure and function. To our knowledge, functional studies have not been reported for this variant. This variant has not been reported in individuals affected with BARD1-related disorders in the literature. This variant has been identified in 2/282580 chromosomes in the general population by the Genome Aggregation Database (gnomAD). The available evidence is insufficient to determine the role of this variant in disease conclusively. Therefore, this variant is classified as a Variant of Uncertain Significance.

Ambry Genetics
Classification: Uncertain significance for Hereditary cancer-predisposing syndrome. Last evaluated: 2024-01-25. Review status: criteria provided, single submitter. Criteria: Ambry Variant Classification Scheme 2023. Collection method: clinical testing. Allele origin: germline.
Comment: The p.N524S variant (also known as c.1571A>G), located in coding exon 7 of the BARD1 gene, results from an A to G substitution at nucleotide position 1571. The asparagine at codon 524 is replaced by serine, an amino acid with highly similar properties. This amino acid position is highly conserved in available vertebrate species. In addition, the in silico prediction for this alteration is inconclusive. Since supporting evidence is limited at this time, the clinical significance of this alteration remains unclear.

Department of Pathology and Laboratory Medicine, Sinai Health System
Classification: Uncertain significance for Familial cancer of breast. Last evaluated: 2023-10-10. Review status: criteria provided, single submitter. Criteria: ACMG Guidelines, 2015. Collection method: clinical testing. Allele origin: germline. Affected: yes.

Baylor Genetics
Classification: Uncertain significance for Familial cancer of breast. Last evaluated: 2023-07-20. Review status: criteria provided, single submitter. Criteria: ACMG Guidelines, 2015. Collection method: clinical testing. Allele origin: unknown.

Sema4
Classification: Uncertain significance for Hereditary cancer-predisposing syndrome. Last evaluated: 2021-06-29. Review status: criteria provided, single submitter. Criteria: Sema4 Curation Guidelines. Collection method: curation. Allele origin: germline.
Comment: The BARD1 c.1571A>G (p.N524S) variant has been reported in at least one individual with breast and/or ovarian cancer (PMID: 27153395). It was observed in 1/128994 chromosomes of the Non-Finnish European subpopulation in the large and broad cohorts of the Genome Aggregation Database (PMID: 32461654). The variant has been reported in ClinVar (Variation ID 141624). In silico tools suggest the impact of the variant on protein function is inconclusive, though these predictions have not been confirmed by functional studies. The evidence is insufficient to meet ACMG/AMP criteria for classifying the variant as benign or pathogenic. Thus, the clinical significance of this variant is currently uncertain.

Literature cited by the submitters: PubMed 27153395 (cited by Sema4).